The following is an entry in ClinVar:

ClinVar aggregate classification (germline): Likely pathogenic (1 of 4 stars; one submission).

Conditions:
Landau-Kleffner syndrome (FESD). Also called: EPILEPSY, FOCAL, WITH SPEECH DISORDER AND WITH OR WITHOUT MENTAL RETARDATION; APHASIA, ACQUIRED, WITH EPILEPSY. Identifiers: Orphanet 1945, Orphanet 725, Orphanet 98818, MedGen C0282512, MONDO:0009509, OMIM 245570.

Submission:

Laboratorio de Genetica e Diagnostico Molecular, Hospital Israelita Albert Einstein
Classification: Likely pathogenic for Landau-Kleffner syndrome. Last evaluated: 2024-06-10. Review status: criteria provided, single submitter. Criteria: ACMG Guidelines, 2015. Collection method: clinical testing. Allele origin: germline. Affected: yes.
Comment: ACMG classification criteria: PVS1 very strong, PM2 supporting

NM_001134407.3(GRIN2A):c.2008-1G>C

Gene: GRIN2A (glutamate ionotropic receptor NMDA type subunit 2A; minus strand). Cytogenetic location: 16p13.2.
Variant type: single nucleotide variant.
Coding change: c.2008-1G>C on transcript NM_001134407.3 (MANE Select); the canonical splice acceptor site of the intron before coding-DNA position 2008, G replaced by C.
Molecular consequence: splice acceptor variant.
Genome position (GRCh38, 1-based): chr16:9,822,425, C>G on the plus strand (G>C on the coding strand, the complement: GRIN2A is on the minus strand). VCF-style: chr16-9822425-C-G. GRCh37 (hg19) VCF-style: chr16-9916282-C-G.
Other names: c.2008-1G>C (NM_001134408.2, NM_000833.5).
Identifiers: ClinVar variation 4056581 (VCV004056581.1).